The following is an entry in ClinVar:

ClinVar aggregate classification (germline): Pathogenic (1 of 4 stars; one submission).

Conditions:
Bethlem myopathy 1A. Also called: Bethlem Muscular Dystrophy; MYOPATHY, BENIGN CONGENITAL, WITH CONTRACTURES; Bethlem myopathy 1. Identifiers: Orphanet 610, MedGen CN029274, MONDO:0024530, OMIM 158810.

Submission:

Labcorp Genetics (formerly Invitae), Labcorp
Classification: Pathogenic for Bethlem myopathy 1A. Last evaluated: 2022-10-13. Review status: criteria provided, single submitter. Criteria: Invitae Variant Classification Sherloc (09022015). Collection method: clinical testing. Allele origin: germline.
Comment: For these reasons, this variant has been classified as Pathogenic. ClinVar contains an entry for this variant (Variation ID: 476414). This variant has not been reported in the literature in individuals affected with COL6A1-related conditions. This variant is not present in population databases (gnomAD no frequency). This sequence change creates a premature translational stop signal (p.Leu50*) in the COL6A1 gene. It is expected to result in an absent or disrupted protein product. Loss-of-function variants in COL6A1 are known to be pathogenic (PMID: 19884007, 20976770).

Literature cited by the submitters: PubMed 19884007; PubMed 20976770.

NM_001848.3(COL6A1):c.148del (p.Ala49_Leu50insTer)

Gene: COL6A1 (collagen type VI alpha 1 chain; plus strand). Cytogenetic location: 21q22.3.
Variant type: Deletion.
Coding change: c.148del on transcript NM_001848.3 (MANE Select); coding-DNA position 148, one base deleted (C; older notation c.148delC).
Protein change: p.Ala49_Leu50insTer.
Molecular consequence: nonsense.
Genome position (GRCh38, 1-based): chr21:45,982,684, C deleted; the last of 3 consecutive C bases (chr21:45,982,682-45,982,684); deleting any one gives the same sequence. VCF-style (leftmost placement, unchanged base first): chr21-45982681-GC-G. GRCh37 (hg19) VCF-style: chr21-47402595-GC-G.
Other names: c.148delC (NM_001848.2).
Identifiers: ClinVar variation 476414 (VCV000476414.7), dbSNP rs1556423728, ClinGen allele CA658658900.
Genomic context (GRCh38, chr21:45,982,681, plus strand): 5'-CATCTTCGGCCAGACTGCCCCGTGGACCTGTTCTTTGTGCTGGACACCTCTGAGAGCGTG[GC>G]CCTGAGGCTGAAGCCCTACGGGGCCCTCGTGGACAAAGTCAAGTCCTTCACCAAGCGCTT-3'